The following is an entry in ClinVar:

ClinVar aggregate classification (germline): Likely pathogenic (1 of 4 stars; one submission).

Conditions:
Coffin-Siris syndrome 1 (CSS1). Also called: ARID1B-Related Coffin-Siris Syndrome; Mental retardation, autosomal dominant 12. Identifiers: Orphanet 1465, MedGen C3281201, MONDO:0007617, OMIM 135900. Disease mechanism: gain of function.

Submission:

3billion
Classification: Likely pathogenic for Coffin-Siris syndrome 1. Last evaluated: 2023-02-23. Review status: criteria provided, single submitter. Criteria: ACMG Guidelines, 2015. Collection method: clinical testing. Allele origin: unknown. Affected: yes.
Comment: The variant is not observed in the gnomAD v2.1.1 dataset. This variant was predicted to result in a loss or disruption of normal protein function through nonsense-mediated decay (NMD) or protein truncation. Multiple pathogenic variants are reported downstream of the variant. Therefore, this variant is classified as Likely pathogenic according to the recommendation of ACMG/AMP guideline.

NM_001374828.1(ARID1B):c.3933del (p.Leu1312fs)

Gene: ARID1B (AT-rich interaction domain 1B; plus strand). Cytogenetic location: 6q25.3.
Variant type: Deletion.
Coding change: c.3933del on transcript NM_001374828.1 (MANE Select); coding-DNA position 3933, one base deleted (C; older notation c.3933delC).
Protein change: p.Leu1312fs; shifts the reading frame from leucine 1312.
Molecular consequence: frameshift variant.
Genome position (GRCh38, 1-based): chr6:157,189,655, C deleted; the last of 2 consecutive C bases (chr6:157,189,654-157,189,655); deleting either gives the same sequence. VCF-style (leftmost placement, unchanged base first): chr6-157189653-TC-T. GRCh37 (hg19) VCF-style: chr6-157510787-TC-T.
Other names: c.3813del, p.Leu1272fs (NM_001374820.1, NM_001371656.1); c.3774del, p.Leu1259fs (NM_017519.3); c.3564delC, p.Leu1189Cysfs (NM_020732.3); c.3351delC, p.Leu1118Cysfs (NM_175863.2); c.3684delC, p.Leu1229Cysfs (NM_001346813.1); c.1434del, p.Leu479fs (NM_001363725.2); short protein forms L1259fs, L1272fs, L1312fs, L479fs.
Identifiers: ClinVar variation 2444091 (VCV002444091.1), dbSNP rs2538498293, ClinGen allele CA2580075265.